The following is an entry in ClinVar:

ClinVar aggregate classification (germline): Uncertain significance. Review status: criteria provided, multiple submitters, no conflicts (2 of 4 stars). 2 submissions from 2 submitters: Uncertain significance (2). Last evaluated 2023-11-27.

Conditions:
Fanconi anemia complementation group A (FANCA). Also called: Fanconi anemia, group A; FANCA-Related Fanconi Anemia. Identifiers: Orphanet 84, MedGen C3469521, MONDO:0009215, OMIM 227650.
Fanconi anemia (FA). Also called: Fanconi's anemia. Identifiers: Orphanet 84, MedGen C0015625, MeSH D005199, MONDO:0019391.

Submissions (2):

Labcorp Genetics (formerly Invitae), Labcorp
Classification: Uncertain significance for Fanconi anemia. Last evaluated: 2023-11-27. Review status: criteria provided, single submitter. Criteria: Invitae Variant Classification Sherloc (09022015). Collection method: clinical testing. Allele origin: germline.
Comment: This sequence change replaces serine, which is neutral and polar, with leucine, which is neutral and non-polar, at codon 9 of the FANCA protein (p.Ser9Leu). This variant is present in population databases (no rsID available, gnomAD 0.0008%). This variant has not been reported in the literature in individuals affected with FANCA-related conditions. ClinVar contains an entry for this variant (Variation ID: 1691535). Algorithms developed to predict the effect of missense changes on protein structure and function output the following: SIFT: "Not Available"; PolyPhen-2: "Benign"; Align-GVGD: "Not Available". The leucine amino acid residue is found in multiple mammalian species, which suggests that this missense change does not adversely affect protein function. In summary, the available evidence is currently insufficient to determine the role of this variant in disease. Therefore, it has been classified as a Variant of Uncertain Significance.

St. Jude Molecular Pathology, St. Jude Children's Research Hospital
Classification: Uncertain significance for Fanconi anemia complementation group A. Last evaluated: 2022-05-12. Review status: criteria provided, single submitter. Criteria: St. Jude Assertion Criteria 2020. Collection method: clinical testing. Allele origin: germline.
Comment: The FANCA c.25_26delinsCT (p.Ser9Leu) change has a maximum subpopulation frequency of 0.013% in gnomAD v2.1.1 (PM2_supporting). It is predicted to have a benign effect on protein function (BP4), but to our knowledge this prediction has not been confirmed by functional studies. To our knowledge, this variant has not been reported in individuals with Fanconi anemia. In summary, this variant meets criteria to be classified as of uncertain significance based on the ACMG/AMP criteria: PM2_supporting, BP4.

NM_000135.4(FANCA):c.25_26delinsCT (p.Ser9Leu)

Genes: FANCA (FA complementation group A; minus strand), LOC112486223 (Sharpr-MPRA regulatory region 3988; plus strand). Cytogenetic location: 16q24.3.
Variant type: Indel.
Coding change: c.25_26delinsCT on transcript NM_000135.4 (MANE Select); coding-DNA positions 25 to 26, TC replaced by CT.
Protein change: p.Ser9Leu; replaces serine 9 with leucine.
Molecular consequence: missense variant.
Genome position (GRCh38, 1-based): chr16:89,816,590-89,816,591, GA replaced by AG on the plus strand (TC replaced by CT on the coding strand, the reverse complement: FANCA is on the minus strand). VCF-style: chr16-89816590-GA-AG. GRCh37 (hg19) VCF-style: chr16-89882998-GA-AG.
Other names: c.25_26delinsCT, p.Ser9Leu (NM_001018112.3, NM_001286167.3, NM_001351830.2); short protein forms S9L.
Identifiers: ClinVar variation 1691535 (VCV001691535.9), dbSNP rs2143731757, ClinGen allele CA2573152816.
Genomic context (GRCh38, chr16:89,816,590, plus strand): 5'-CACCTACCCAGCAGCTCGGCCCAGGCCCTCCGGCGGCCCCCTGGGTCCTGGCCCGAGGCG[GA>AG]GTTCGGGACCCACGAGTCGGACATGGCCTTGGCGCCTACAGCCCCGGCGGCGGCTCCCTG-3'
Protein context (NP_000126.2, residues 1-19): MSDSWVPN[Ser9Leu]ASGQDPGGRR